The following is an entry in ClinVar:

ClinVar aggregate classification (germline): Uncertain significance (1 of 4 stars; one submission).

Allele frequency attached by ClinVar (database versions not stated): ExAC 0.00001; gnomAD 0.00001; gnomAD exomes 0.00001; TOPMed 0.00001; ESP Exome Variant Server 0.00008.
gnomAD v4.1: 7 of 1,612,970 alleles (0.00043%); highest among the groups gnomAD compares: Non-Finnish European, 0.00059%; no homozygotes.

Submission:

Labcorp Genetics (formerly Invitae), Labcorp
Classification: Uncertain significance. Last evaluated: 2022-02-03. Review status: criteria provided, single submitter. Criteria: Invitae Variant Classification Sherloc (09022015). Collection method: clinical testing. Allele origin: germline.
Comment: In summary, the available evidence is currently insufficient to determine the role of this variant in disease. Therefore, it has been classified as a Variant of Uncertain Significance. Algorithms developed to predict the effect of missense changes on protein structure and function output the following: SIFT: "Tolerated"; PolyPhen-2: "Benign"; Align-GVGD: "Class C0". The serine amino acid residue is found in multiple mammalian species, which suggests that this missense change does not adversely affect protein function. This variant has not been reported in the literature in individuals affected with CSF2RB-related conditions. This variant is present in population databases (rs373727945, gnomAD 0.003%). This sequence change replaces proline, which is neutral and non-polar, with serine, which is neutral and polar, at codon 496 of the CSF2RB protein (p.Pro496Ser).

NM_000395.3(CSF2RB):c.1486C>T (p.Pro496Ser)

Gene: CSF2RB (colony stimulating factor 2 receptor subunit beta; plus strand). Cytogenetic location: 22q12.3.
Variant type: single nucleotide variant.
Coding change: c.1486C>T on transcript NM_000395.3 (MANE Select); coding-DNA position 1486, C replaced by T.
Protein change: p.Pro496Ser; replaces proline 496 with serine.
Molecular consequence: missense variant.
Genome position (GRCh38, 1-based): chr22:36,936,570, C>T. VCF-style: chr22-36936570-C-T. GRCh37 (hg19) VCF-style: chr22-37332612-C-T.
Other names: c.1504C>T, p.Pro502Ser (NM_001410827.1); short protein forms P502S, P496S.
Identifiers: ClinVar variation 2126718 (VCV002126718.4), dbSNP rs373727945, ClinGen allele CA10213897.